The following is an entry in ClinVar:

NM_005984.5(SLC25A1):c.303-20C>T

Gene: SLC25A1 (solute carrier family 25 member 1; minus strand). Cytogenetic location: 22q11.21.
Variant type: single nucleotide variant.
Coding change: c.303-20C>T on transcript NM_005984.5 (MANE Select); 20 bases into the intron before coding-DNA position 303, C replaced by T.
Molecular consequence: intron variant.
Genome position (GRCh38, 1-based): chr22:19,177,885, G>A on the plus strand (C>T on the coding strand, the complement: SLC25A1 is on the minus strand). VCF-style: chr22-19177885-G-A. GRCh37 (hg19) VCF-style: chr22-19165398-G-A.
Other names: c.-7-20C>T (NM_001287387.2); c.324-20C>T (NM_001256534.2).
Identifiers: ClinVar variation 384770 (VCV000384770.1), dbSNP rs1057522044, ClinGen allele CA16609075.

ClinVar aggregate classification (germline): Likely benign (1 of 4 stars; one submission).

Submission:

GeneDx
Classification: Likely benign. Last evaluated: 2016-04-03. Review status: criteria provided, single submitter. Criteria: GeneDx Variant Classification (06012015). Collection method: clinical testing. Allele origin: germline. Affected: yes.
Comment: This variant is considered likely benign or benign based on one or more of the following criteria: it is a conservative change, it occurs at a poorly conserved position in the protein, it is predicted to be benign by multiple in silico algorithms, and/or has population frequency not consistent with disease.